The following is an entry in ClinVar:

ClinVar aggregate classification (germline): Likely benign. Review status: criteria provided, multiple submitters, no conflicts (2 of 4 stars). 3 submissions from 3 submitters: Likely benign (3). Last evaluated 2026-05-29.

Conditions:
Gastrointestinal stromal tumor. Also called: Gastrointestinal stromal tumor, somatic; Gastrointestinal stroma tumor. Identifiers: Orphanet 44890, MedGen C0238198, MeSH D046152, MONDO:0011719, OMIM 606764, HP:0100723.

Allele frequency attached by ClinVar (database versions not stated): gnomAD exomes 0.00001.
gnomAD v4.1: 9 of 1,613,226 alleles (0.00056%); highest among the groups gnomAD compares: South Asian, 0.0011%; no homozygotes.

Submissions (3):

Myriad Genetics, Inc.
Classification: Likely benign for Gastrointestinal stromal tumor. Last evaluated: 2026-05-29. Review status: criteria provided, single submitter. Criteria: Myriad Autosomal Dominant, Autosomal Recessive and X-Linked Classification Criteria (2023). Collection method: clinical testing. Allele origin: unknown.
Comment: This variant is considered likely benign. This variant is intronic and is not expected to impact mRNA splicing.

Labcorp Genetics (formerly Invitae), Labcorp
Classification: Likely benign for Gastrointestinal stromal tumor. Last evaluated: 2026-01-12. Review status: criteria provided, single submitter. Criteria: Invitae Variant Classification Sherloc (09022015). Collection method: clinical testing. Allele origin: germline.

Blueprint Genetics
Classification: Likely benign. Last evaluated: 2024-10-16. Review status: criteria provided, single submitter. Criteria: ACMG Guidelines, 2015. Collection method: clinical testing. Allele origin: germline.

NM_000222.3(KIT):c.1991-11T>C

Gene: KIT (KIT proto-oncogene, receptor tyrosine kinase; plus strand). Cytogenetic location: 4q12.
Variant type: single nucleotide variant.
Coding change: c.1991-11T>C on transcript NM_000222.3 (MANE Select); 11 bases into the intron before coding-DNA position 1991, T replaced by C.
Molecular consequence: intron variant.
Genome position (GRCh38, 1-based): chr4:54,729,324, T>C. VCF-style: chr4-54729324-T-C. GRCh37 (hg19) VCF-style: chr4-55595490-T-C.
Other names: c.1994-11T>C (NM_001385284.1, NM_001385290.1); c.1982-11T>C (NM_001385288.1, NM_001385292.1); c.1991-11T>C (NM_001385285.1); c.1979-11T>C (NM_001093772.2, NM_001385286.1).
Identifiers: ClinVar variation 1662435 (VCV001662435.10), dbSNP rs2109785742, ClinGen allele CA2573138236.